The following is an entry in ClinVar:

ClinVar aggregate classification (germline): Likely benign. Review status: reviewed by expert panel (3 of 4 stars). 5 submissions from 5 submitters: Likely benign (1). 4 of the submissions do not count toward it. Last evaluated 2026-02-24.

Conditions:
Hereditary cancer-predisposing syndrome. Also called: Neoplastic Syndromes, Hereditary; Tumor predisposition; Hereditary Cancer Syndrome; Hereditary neoplastic syndrome. Identifiers: Orphanet 140162, MedGen C0027672, MeSH D009386, MONDO:0015356.
DICER1-related tumor predisposition. Also called: DICER1-related pleuropulmonary blastoma cancer predisposition syndrome; DICER1 syndrome. Identifiers: Orphanet 284343, MedGen C3839822, MONDO:0100216.

Allele frequency attached by ClinVar (database versions not stated): gnomAD exomes 0.00001 and 0.00003; ExAC 0.00002; gnomAD 0.00002; TOPMed 0.00002.
gnomAD v4.1: 43 of 1,613,744 alleles (0.0027%); highest among the groups gnomAD compares: African/African-American, 0.0053%; no homozygotes.

Submissions (5):

ClinGen DICER1 and miRNA-Processing Gene Variant Curation Expert Panel, ClinGen
Classification: Likely benign for DICER1-related tumor predisposition. Last evaluated: 2026-02-24. Review status: reviewed by expert panel. Criteria: ClinGen DICER1 ACMG Specifications DICER1 V1.4.0. Collection method: curation. Allele origin: germline. Inheritance: Autosomal dominant inheritance.
Comment: The NM_177438.3:c.184G>A variant in DICER1 is a missense variant predicted to cause substitution of valine by isoleucine at amino acid 62 (p.Val62Ile). Although this variant has been observed in individuals undergoing genetic sequencing, to our knowledge, this variant has not been reported in individuals with DICER1-related tumor predisposition (PS4 not met; PMIDs: 26580448, 32714280, 36149413, 27819237; Internal lab contributors). This variant has been seen in 10 or more unrelated females without tumors through age 50 in at least one testing laboratory (BS2_Supporting; Internal lab contributors). The total allele frequency in gnomAD v4.1.0 is 0.000027 (43/1613744 alleles) with a highest population minor allele frequency of 0.00005 (4/74886 alleles) in African/African-American population (PM2_Supporting, BS1, and BA1 are not met). In silico tools predict no damaging impact of the variant on protein function (REVEL: 0.129; MaxEntScan and SpliceAI: no effect on splicing) (BP4). In summary, this variant meets the criteria to be classified as Likely Benign for DICER1-related tumor predisposition based on the ACMG/AMP criteria applied, as specified by the ClinGen DICER1 VCEP: BS2_Supporting, BP4. (Bayesian Points: -2; VCEP specifications version 1.4.0; 02/24/2026)

Labcorp Genetics (formerly Invitae), Labcorp
Classification: Uncertain significance for DICER1-related tumor predisposition. Last evaluated: 2026-01-20. Review status: criteria provided, single submitter. Criteria: Invitae Variant Classification Sherloc (09022015). Collection method: clinical testing. Allele origin: germline. Not counted in ClinVar's aggregate classification.
Comment: This sequence change replaces valine, which is neutral and non-polar, with isoleucine, which is neutral and non-polar, at codon 62 of the DICER1 protein (p.Val62Ile). This variant is present in population databases (rs746671039, gnomAD 0.007%). This missense change has been observed in individual(s) with corticotropinoma and/or rhabdomyosarcoma (PMID: 27050224, 27819237, 32714280, 36149413). ClinVar contains an entry for this variant (Variation ID: 543572). Invitae Evidence Modeling of protein sequence and biophysical properties (such as structural, functional, and spatial information, amino acid conservation, physicochemical variation, residue mobility, and thermodynamic stability) indicates that this missense variant is not expected to disrupt DICER1 protein function with a negative predictive value of 95%. In summary, the available evidence is currently insufficient to determine the role of this variant in disease. Therefore, it has been classified as a Variant of Uncertain Significance.

Ambry Genetics
Classification: Uncertain significance for Hereditary cancer-predisposing syndrome. Last evaluated: 2025-03-12. Review status: criteria provided, single submitter. Criteria: Ambry Variant Classification Scheme 2023. Collection method: clinical testing. Allele origin: germline. Not counted in ClinVar's aggregate classification.
Comment: The p.V62I variant (also known as c.184G>A), located in coding exon 2 of the DICER1 gene, results from a G to A substitution at nucleotide position 184. The valine at codon 62 is replaced by isoleucine, an amino acid with highly similar properties. This alteration has been reported in a pediatric patient diagnosed with rhabdosarcoma (Zhang J et al. N Engl J Med, 2015 Dec;373:2336-2346). This amino acid position is highly conserved in available vertebrate species. In addition, the in silico prediction for this alteration is inconclusive. Based on the available evidence, the clinical significance of this variant remains unclear.

GeneDx
Classification: Uncertain significance. Last evaluated: 2022-08-23. Review status: criteria provided, single submitter. Criteria: GeneDx Variant Classification Process June 2021. Collection method: clinical testing. Allele origin: germline. Affected: yes. Not counted in ClinVar's aggregate classification.
Comment: Not observed at significant frequency in large population cohorts (gnomAD); In silico analysis supports that this missense variant does not alter protein structure/function; Identified in an individual with rhabdomyosarcoma as well as a child with Cushing's disease and a corticotropinoma whose tumor did not demonstrate loss of heterozygosity or a second DICER1 variant (Zhang et al., 2015; Martinez de LaPiscina et al., 2020); This variant is associated with the following publications: (PMID: 27819237, 26580448, 27050224, 28748527, 32714280)

Foulkes Cancer Genetics LDI, Lady Davis Institute for Medical Research
Classification: Likely benign. Last evaluated: 2019-07-01. Review status: criteria provided, single submitter. Criteria: ACMG Guidelines, 2015. Collection method: curation. Allele origin: germline. Affected: yes. Observed: 1 variant allele. Not counted in ClinVar's aggregate classification.
Comment: ACMG criteria met: BS1, BP4

Literature cited by the submitters: PubMed 27050224 (cited by Labcorp Genetics (formerly Invitae), Labcorp); PubMed 27819237 (cited by Labcorp Genetics (formerly Invitae), Labcorp); PubMed 32714280 (cited by Labcorp Genetics (formerly Invitae), Labcorp and Ambry Genetics); PubMed 36149413 (cited by Labcorp Genetics (formerly Invitae), Labcorp); PubMed 26580448 (cited by Ambry Genetics and Foulkes Cancer Genetics LDI, Lady Davis Institute for Medical Research).

NM_177438.3(DICER1):c.184G>A (p.Val62Ile)

Gene: DICER1 (dicer 1, ribonuclease III; minus strand). Cytogenetic location: 14q32.13.
Variant type: single nucleotide variant.
Coding change: c.184G>A on transcript NM_177438.3 (MANE Select); coding-DNA position 184, G replaced by A.
Protein change: p.Val62Ile; replaces valine 62 with isoleucine.
Molecular consequence: missense variant.
Genome position (GRCh38, 1-based): chr14:95,132,638, C>T on the plus strand (G>A on the coding strand, the complement: DICER1 is on the minus strand). VCF-style: chr14-95132638-C-T. GRCh37 (hg19) VCF-style: chr14-95598975-C-T.
Other names: NM_177438.3(DICER1):c.184G>A; p.Val62Ile; c.184G>A, p.Val62Ile (NM_001195573.1, NM_001271282.3, NM_001291628.2 and 1 more transcripts); short protein forms V62I.
Identifiers: ClinVar variation 543572 (VCV000543572.18), dbSNP rs746671039, ClinGen allele CA7331717.